The following is an entry in ClinVar:

ClinVar aggregate classification (germline): Uncertain significance (1 of 4 stars; one submission).

Conditions:
Immunodeficiency 39 (IMD39). Identifiers: Orphanet 574918, MedGen C4225358, MONDO:0014597, OMIM 616345.

gnomAD v4.1: 3 of 1,612,026 alleles (0.00019%); highest among the groups gnomAD compares: African/African-American, 0.0013%; no homozygotes.

Submission:

Labcorp Genetics (formerly Invitae), Labcorp
Classification: Uncertain significance for Immunodeficiency 39. Last evaluated: 2024-06-02. Review status: criteria provided, single submitter. Criteria: Invitae Variant Classification Sherloc (09022015). Collection method: clinical testing. Allele origin: germline.
Comment: This sequence change replaces alanine, which is neutral and non-polar, with threonine, which is neutral and polar, at codon 199 of the IRF7 protein (p.Ala199Thr). This variant is not present in population databases (gnomAD no frequency). This variant has not been reported in the literature in individuals affected with IRF7-related conditions. Advanced modeling of protein sequence and biophysical properties (such as structural, functional, and spatial information, amino acid conservation, physicochemical variation, residue mobility, and thermodynamic stability) performed at Invitae indicates that this missense variant is not expected to disrupt IRF7 protein function with a negative predictive value of 80%. In summary, the available evidence is currently insufficient to determine the role of this variant in disease. Therefore, it has been classified as a Variant of Uncertain Significance.

NM_001572.5(IRF7):c.556G>A (p.Ala186Thr)

Gene: IRF7 (interferon regulatory factor 7; minus strand). Cytogenetic location: 11p15.5.
Variant type: single nucleotide variant.
Coding change: c.556G>A on transcript NM_001572.5 (MANE Select); coding-DNA position 556, G replaced by A.
Protein change: p.Ala186Thr; replaces alanine 186 with threonine.
Molecular consequence: missense variant.
Genome position (GRCh38, 1-based): chr11:614,297, C>T on the plus strand (G>A on the coding strand, the complement: IRF7 is on the minus strand). VCF-style: chr11-614297-C-T. GRCh37 (hg19) VCF-style: chr11-614297-C-T.
Other names: c.556G>A, p.Ala186Thr (NM_004029.4); c.595G>A, p.Ala199Thr (NM_004031.4); short protein forms A186T, A199T.
Identifiers: ClinVar variation 3675301 (VCV003675301.2).